The following is an entry in ClinVar:

ClinVar aggregate classification (germline): Uncertain significance (1 of 4 stars; one submission).

Conditions:
Neonatal-onset encephalopathy with rigidity and seizures. Also called: Lethal neonatal spasticity-epileptic encephalopathy syndrome. Identifiers: Orphanet 435845, MedGen C3281029, MONDO:0013784, OMIM 614498.

gnomAD v4.1: 1 of 1,609,346 alleles (0.000062%); highest among the groups gnomAD compares: Non-Finnish European, 0.000085%; no homozygotes.

Submission:

Labcorp Genetics (formerly Invitae), Labcorp
Classification: Uncertain significance for Neonatal-onset encephalopathy with rigidity and seizures. Last evaluated: 2022-10-04. Review status: criteria provided, single submitter. Criteria: Invitae Variant Classification Sherloc (09022015). Collection method: clinical testing. Allele origin: germline.
Comment: In summary, the available evidence is currently insufficient to determine the role of this variant in disease. Therefore, it has been classified as a Variant of Uncertain Significance. Advanced modeling of protein sequence and biophysical properties (such as structural, functional, and spatial information, amino acid conservation, physicochemical variation, residue mobility, and thermodynamic stability) has been performed at Invitae for this missense variant, however the output from this modeling did not meet the statistical confidence thresholds required to predict the impact of this variant on BRAT1 protein function. This variant has not been reported in the literature in individuals affected with BRAT1-related conditions. This variant is not present in population databases (gnomAD no frequency). This sequence change replaces leucine, which is neutral and non-polar, with glutamine, which is neutral and polar, at codon 784 of the BRAT1 protein (p.Leu784Gln).

NM_152743.4(BRAT1):c.2351T>A (p.Leu784Gln)

Gene: BRAT1 (BRCA1 associated ATM activator 1; minus strand). Cytogenetic location: 7p22.3.
Variant type: single nucleotide variant.
Coding change: c.2351T>A on transcript NM_152743.4 (MANE Select); coding-DNA position 2351, T replaced by A.
Protein change: p.Leu784Gln; replaces leucine 784 with glutamine.
Molecular consequence: missense variant. On other transcripts: non-coding transcript variant (1).
Genome position (GRCh38, 1-based): chr7:2,538,184, A>T on the plus strand (T>A on the coding strand, the complement: BRAT1 is on the minus strand). VCF-style: chr7-2538184-A-T. GRCh37 (hg19) VCF-style: chr7-2577818-A-T.
Other names: c.2531T>A, p.Leu844Gln (NM_001350626.2); c.1826T>A, p.Leu609Gln (NM_001350627.2); short protein forms L609Q, L784Q, L844Q.
Identifiers: ClinVar variation 1718271 (VCV001718271.5), dbSNP rs1360273346, ClinGen allele CA366623031.